The following is an entry in ClinVar:

NM_000232.5(SGCB):c.754-16A>G

Gene: SGCB (sarcoglycan beta; minus strand). Cytogenetic location: 4q12.
Variant type: single nucleotide variant.
Coding change: c.754-16A>G on transcript NM_000232.5 (MANE Select); 16 bases into the intron before coding-DNA position 754, A replaced by G.
Molecular consequence: intron variant.
Genome position (GRCh38, 1-based): chr4:52,024,176, T>C on the plus strand (A>G on the coding strand, the complement: SGCB is on the minus strand). VCF-style: chr4-52024176-T-C. GRCh37 (hg19) VCF-style: chr4-52890342-T-C.
Identifiers: ClinVar variation 681712 (VCV000681712.4), dbSNP rs768400028, ClinGen allele CA2918286.

ClinVar aggregate classification (germline): Likely benign. Review status: criteria provided, multiple submitters, no conflicts (2 of 4 stars). 2 submissions from 2 submitters: Likely benign (2). Last evaluated 2024-10-17.

Conditions:
Autosomal recessive limb-girdle muscular dystrophy type 2E (LGMDR4). Also called: MUSCULAR DYSTROPHY, LIMB-GIRDLE, AUTOSOMAL RECESSIVE 4. Identifiers: Orphanet 119, MedGen C1858593, MONDO:0011423, OMIM 604286. Disease mechanism: Affects gamma-sarcoglycan and also disrupts the integrity of the entire sarcoglycan complex..

Allele frequency attached by ClinVar (database versions not stated): gnomAD exomes below 0.00001 and 0.00001; ExAC 0.00001.
gnomAD v4.1: 3 of 1,596,538 alleles (0.00019%); highest among the groups gnomAD compares: Admixed American, 0.005%; no homozygotes.

Submissions (2):

Labcorp Genetics (formerly Invitae), Labcorp
Classification: Likely benign for Autosomal recessive limb-girdle muscular dystrophy type 2E. Last evaluated: 2024-10-17. Review status: criteria provided, single submitter. Criteria: Invitae Variant Classification Sherloc (09022015). Collection method: clinical testing. Allele origin: germline.

GeneDx
Classification: Likely benign. Last evaluated: 2018-04-12. Review status: criteria provided, single submitter. Criteria: GeneDx Variant Classification (06012015). Collection method: clinical testing. Allele origin: germline. Affected: yes.
Comment: This variant is considered likely benign or benign based on one or more of the following criteria: it is a conservative change, it occurs at a poorly conserved position in the protein, it is predicted to be benign by multiple in silico algorithms, and/or has population frequency not consistent with disease.